The following is an entry in ClinVar:

ClinVar aggregate classification (germline): Likely pathogenic. Review status: criteria provided, multiple submitters, no conflicts (2 of 4 stars). 6 submissions from 6 submitters: Likely pathogenic (4). 2 of the submissions do not count toward it. Last evaluated 2025-03-06.

Conditions:
Deficiency of alpha-mannosidase (MANSA). Also called: LYSOSOMAL ALPHA-D-MANNOSIDASE DEFICIENCY; Mannosidosis, alpha-, types I and II; Alpha-Mannosidosis. Identifiers: Orphanet 61, MedGen C0024748, MONDO:0009561, OMIM 248500.

Allele frequency attached by ClinVar (database versions not stated): gnomAD exomes below 0.00001.
gnomAD v4.1: 5 of 1,614,182 alleles (0.00031%); highest among the groups gnomAD compares: Non-Finnish European, 0.00034%; no homozygotes.

Submissions (6):

Natera, Inc.
Classification: Likely pathogenic for Alpha-mannosidosis. Last evaluated: 2025-03-06. Review status: criteria provided, single submitter. Criteria: Natera Variant Classification Schema (03/2026). Collection method: clinical testing. Allele origin: germline.
Comment: The c.2747G>A variant in MAN2B1 is a missense variant predicted to cause substitution of arginine to histidine at amino acid 916. This variant is rare in the general population with a frequency below the threshold expected for the associated phenotype(s). This variant has been observed in one or more individuals affected with the associated recessive disease, as either homozygous or compound heterozygous with a second variant (PMID: 22161967). Functional studies show that this variant may disrupt protein function (PMID: 22161967). Computational prediction algorithms indicate this variant is likely to affect gene or protein function. Given the available evidence, this variant is classified as Likely Pathogenic.

Baylor Genetics
Classification: Likely pathogenic for Deficiency of alpha-mannosidase. Last evaluated: 2024-03-25. Review status: criteria provided, single submitter. Criteria: ACMG Guidelines, 2015. Collection method: clinical testing. Allele origin: unknown.

Labcorp Genetics (formerly Invitae), Labcorp
Classification: Likely pathogenic for Deficiency of alpha-mannosidase. Last evaluated: 2023-03-19. Review status: criteria provided, single submitter. Criteria: Invitae Variant Classification Sherloc (09022015). Collection method: clinical testing. Allele origin: germline.
Comment: This sequence change replaces arginine, which is basic and polar, with histidine, which is basic and polar, at codon 916 of the MAN2B1 protein (p.Arg916His). This variant is present in population databases (rs758765126, gnomAD 0.002%). This missense change has been observed in individual(s) with alpha-mannosidosis (PMID: 22161967). In at least one individual the data is consistent with being in trans (on the opposite chromosome) from a pathogenic variant. ClinVar contains an entry for this variant (Variation ID: 208278). Advanced modeling of protein sequence and biophysical properties (such as structural, functional, and spatial information, amino acid conservation, physicochemical variation, residue mobility, and thermodynamic stability) has been performed at Invitae for this missense variant, however the output from this modeling did not meet the statistical confidence thresholds required to predict the impact of this variant on MAN2B1 protein function. Experimental studies have shown that this missense change affects MAN2B1 function (PMID: 21505070, 22161967). This variant disrupts the p.Arg916 amino acid residue in MAN2B1. Other variant(s) that disrupt this residue have been observed in individuals with MAN2B1-related conditions (PMID: 16919251, 22161967), which suggests that this may be a clinically significant amino acid residue. In summary, the currently available evidence indicates that the variant is pathogenic, but additional data are needed to prove that conclusively. Therefore, this variant has been classified as Likely Pathogenic.

Women's Health and Genetics/Laboratory Corporation of America, LabCorp
Classification: Likely pathogenic for Deficiency of alpha-mannosidase. Last evaluated: 2022-05-19. Review status: criteria provided, single submitter. Criteria: LabCorp Variant Classification Summary - May 2015. Collection method: clinical testing. Allele origin: germline.
Comment: Variant summary: MAN2B1 c.2747G>A (p.Arg916His) results in a non-conservative amino acid change located in the Glycosyl hydrolases family 38, C-terminal beta sandwich domain (IPR041147) of the encoded protein sequence. Five of five in-silico tools predict a damaging effect of the variant on protein function. The variant allele was found at a frequency of 8e-06 in 250646 control chromosomes (gnomAD). c.2747G>A has been reported in the literature in at least one compound heterozygous individual affected with Alpha-Mannosidosis (Riise Stensland_2012). Experimentally, the variant was found to sequester within the ER in its unprocessed state, and not traffick to lysosome (Kuokkanen_2011). This results in loss of activity which was confirmed when BHK-21 and CHOK1 cells transfected with the variant were found to have the same activity as empty vector/background levels, indicating a complete loss of function (Riise Stensland_2012). Two ClinVar submitters have assessed the variant since 2014: one classified the variant as likely pathogenic, and one classified the variant as uncertain significance. Based on the evidence outlined above, the variant was classified as likely pathogenic.

Counsyl
Classification: Uncertain significance for Deficiency of alpha-mannosidase. Last evaluated: 2017-02-10. Review status: no assertion criteria provided. Collection method: clinical testing. Allele origin: unknown. Not counted in ClinVar's aggregate classification.

ClinVar Staff, National Center for Biotechnology Information (NCBI)
Classification: Uncertain significance for Deficiency of alpha-mannosidase. Last evaluated: 2012-06-07. Review status: no assertion criteria provided. Collection method: literature only. Allele origin: germline. Affected: yes. Not counted in ClinVar's aggregate classification.

Literature cited by the submitters: PubMed 22161967 (cited by 5 submitters); PubMed 21505070 (cited by 3 submitters); PubMed 16919251 (cited by Labcorp Genetics (formerly Invitae), Labcorp).

NM_000528.4(MAN2B1):c.2747G>A (p.Arg916His)

Gene: MAN2B1 (mannosidase alpha class 2B member 1; minus strand). Cytogenetic location: 19p13.13.
Variant type: single nucleotide variant.
Coding change: c.2747G>A on transcript NM_000528.4 (MANE Select); coding-DNA position 2747, G replaced by A.
Protein change: p.Arg916His; replaces arginine 916 with histidine.
Molecular consequence: missense variant.
Genome position (GRCh38, 1-based): chr19:12,647,516, C>T on the plus strand (G>A on the coding strand, the complement: MAN2B1 is on the minus strand). VCF-style: chr19-12647516-C-T. GRCh37 (hg19) VCF-style: chr19-12758330-C-T.
Other names: c.2744G>A, p.Arg915His (NM_001173498.2); short protein forms R916H, R915H.
Identifiers: ClinVar variation 208278 (VCV000208278.15), dbSNP rs758765126, ClinGen allele CA350936.